The following is an entry in ClinVar:

NM_001366722.1(GRIP1):c.1687+12T>C

Gene: GRIP1 (glutamate receptor interacting protein 1; minus strand). Cytogenetic location: 12q14.3.
Variant type: single nucleotide variant.
Coding change: c.1687+12T>C on transcript NM_001366722.1 (MANE Select); 12 bases into the intron after coding-DNA position 1687, T replaced by C.
Molecular consequence: intron variant.
Genome position (GRCh38, 1-based): chr12:66,444,572, A>G on the plus strand (T>C on the coding strand, the complement: GRIP1 is on the minus strand). VCF-style: chr12-66444572-A-G. GRCh37 (hg19) VCF-style: chr12-66838352-A-G.
Other names: c.1606+12T>C (NM_001366723.1); c.1609+12T>C (NM_001366724.1); c.1531+12T>C (NM_001178074.2, NM_021150.4).
Identifiers: ClinVar variation 881238 (VCV000881238.9), dbSNP rs151041073, ClinGen allele CA6674327.

ClinVar aggregate classification (germline): Benign/Likely benign. Review status: criteria provided, multiple submitters, no conflicts (2 of 4 stars). 3 submissions from 3 submitters: Benign (1); Likely benign (2). Last evaluated 2026-02-01.

Conditions:
Fraser syndrome 3. Identifiers: MedGen C4540040, MONDO:0054739, OMIM 617667.

Allele frequency attached by ClinVar (database versions not stated): gnomAD 0.00023 and 0.00034; TOPMed 0.00032; gnomAD exomes 0.00071; ExAC 0.00073; 1000 Genomes Project 30x 0.00125; 1000 Genomes Project 0.00160.
gnomAD v4.1: 530 of 1,600,382 alleles (0.033%); highest among the groups gnomAD compares: East Asian, 1%; 4 homozygotes.

Submissions (3):

Labcorp Genetics (formerly Invitae), Labcorp
Classification: Benign. Last evaluated: 2026-02-01. Review status: criteria provided, single submitter. Criteria: Invitae Variant Classification Sherloc (09022015). Collection method: clinical testing. Allele origin: germline.

Illumina Laboratory Services, Illumina
Classification: Likely benign for Fraser syndrome 3. Last evaluated: 2018-01-13. Review status: criteria provided, single submitter. Criteria: ICSL Variant Classification Criteria 13 December 2019. Collection method: clinical testing. Allele origin: germline.
Comment: This variant was observed in the ICSL laboratory as part of a predisposition screen in an ostensibly healthy population. It had not been previously curated by ICSL or reported in the Human Gene Mutation Database (HGMD: prior to June 1st, 2018), and was therefore a candidate for classification through an automated scoring system. Utilizing variant allele frequency, disease prevalence and penetrance estimates, and inheritance mode, an automated score was calculated to assess if this variant is too frequent to cause the disease. Based on the score and internal cut-off values, a variant classified as likely benign is not then subjected to further curation. The score for this variant resulted in a classification of likely benign for this disease.

Breakthrough Genomics
Classification: Likely benign. Review status: criteria provided, single submitter. Criteria: ACMG Guidelines, 2015. Collection method: not provided. Allele origin: germline. Inheritance: Autosomal recessive inheritance. Affected: yes.